The following is an entry in ClinVar:

NM_001034853.2(RPGR):c.982G>T (p.Gly328Ter)

Gene: RPGR (retinitis pigmentosa GTPase regulator; minus strand). Cytogenetic location: Xp11.4.
Variant type: single nucleotide variant.
Coding change: c.982G>T on transcript NM_001034853.2 (MANE Select); coding-DNA position 982, G replaced by T.
Protein change: p.Gly328Ter; replaces glycine 328 with a stop codon.
Molecular consequence: nonsense. On other transcripts: non-coding transcript variant (6).
Genome position (GRCh38, 1-based): chrX:38,301,324, C>A on the plus strand (G>T on the coding strand, the complement: RPGR is on the minus strand). VCF-style: chrX-38301324-C-A. GRCh37 (hg19) VCF-style: chrX-38160577-C-A.
Other names: c.982G>T, p.Gly328Ter (NM_000328.3, NM_001367246.1, NM_001367247.1 and 1 more transcripts); c.979G>T, p.Gly327Ter (NM_001367245.1, NM_001367249.1, NM_001367250.1); c.1012G>T, p.Gly338Ter (NM_001367248.1); short protein forms G327*, G328*, G338*.
Identifiers: ClinVar variation 5037931 (VCV005037931.1).

ClinVar aggregate classification (germline): Likely pathogenic (0 of 4 stars; one submission).

Conditions:
Rod-cone dystrophy. Identifiers: MedGen C4551714, HP:0000510.

Submission:

Centre for Vision Research, Duke-NUS Medical School
Classification: Likely pathogenic for Rod-cone dystrophy. Last evaluated: 2026-09-04. Review status: no assertion criteria provided. Collection method: clinical testing. Allele origin: germline. Affected: yes. Observed: 1 variant allele.
Comment: The variant is predicted to cause a premature stop codon in exon 9 of RPGR.